The following is an entry in ClinVar:

NM_015691.5(WWC3):c.2727G>T (p.Glu909Asp)

Gene: WWC3 (WWC family member 3; plus strand). Cytogenetic location: Xp22.2.
Variant type: single nucleotide variant.
Coding change: c.2727G>T on transcript NM_015691.5; coding-DNA position 2727, G replaced by T.
Protein change: p.Glu909Asp; replaces glutamic acid 909 with aspartic acid.
Molecular consequence: missense variant.
Genome position (GRCh38, 1-based): chrX:10,128,628, G>T. VCF-style: chrX-10128628-G-T. GRCh37 (hg19) VCF-style: chrX-10096668-G-T.
Other names: short protein forms E784D, E909D.
Identifiers: ClinVar variation 2659967 (VCV002659967.24), dbSNP rs2518844053, ClinGen allele CA412004971.

ClinVar aggregate classification (germline): Uncertain significance (1 of 4 stars; one submission).

Submission:

CeGaT Center for Human Genetics Tuebingen
Classification: Uncertain significance. Last evaluated: 2022-10-01. Review status: criteria provided, single submitter. Criteria: CeGaT Center For Human Genetics Tuebingen Variant Classification Criteria Version 2. Collection method: clinical testing. Allele origin: germline. Affected: yes. Observed: 1 variant allele.
Comment: WWC3: PM2